The following is an entry in ClinVar:

ClinVar aggregate classification (germline): Pathogenic. Review status: criteria provided, multiple submitters, no conflicts (2 of 4 stars). 2 submissions from 2 submitters: Pathogenic (2). Last evaluated 2026-08-18.

Conditions:
Ataxia-telangiectasia syndrome (AT). Also called: LOUIS-BAR SYNDROME; Cerebello-oculocutaneous telangiectasia; Immunodeficiency with ataxia telangiectasia; AT, COMPLEMENTATION GROUP C; Ataxia-telangiectasia, complementation group D; ATAXIA-TELANGIECTASIA, COMPLEMENTATION GROUP A. Identifiers: Orphanet 100, MedGen C0004135, MONDO:0008840, OMIM 208900.
Familial cancer of breast. Also called: BREAST CANCER, FAMILIAL; Hereditary breast cancer; hereditary breast carcinoma. Identifiers: Orphanet 227535, MedGen C0346153, MONDO:0016419, OMIM 114480. Disease mechanism: loss of function.

Submissions (2):

Myriad Genetics, Inc.
Classification: Pathogenic for Familial cancer of breast. Last evaluated: 2026-08-18. Review status: criteria provided, single submitter. Criteria: Myriad Autosomal Dominant, Autosomal Recessive and X-Linked Classification Criteria (2023). Collection method: clinical testing. Allele origin: unknown.
Comment: This variant is considered pathogenic. This variant occurs within a consensus splice junction and is predicted to result in abnormal mRNA splicing of either an out-of-frame exon or an in-frame exon necessary for protein stability and/or normal function. This variant has been reported in multiple individuals with clinical features of gene-specific disease [PMID: 15880721, 23726790].

Labcorp Genetics (formerly Invitae), Labcorp
Classification: Pathogenic for Ataxia-telangiectasia syndrome. Last evaluated: 2023-07-12. Review status: criteria provided, single submitter. Criteria: Invitae Variant Classification Sherloc (09022015). Collection method: clinical testing. Allele origin: germline.
Comment: For these reasons, this variant has been classified as Pathogenic. Algorithms developed to predict the effect of sequence changes on RNA splicing suggest that this variant may disrupt the consensus splice site. Disruption of this splice site has been observed in individual(s) with ataxia-telangectasia (PMID: 15880721, 23726790). In at least one individual the data is consistent with being in trans (on the opposite chromosome) from a pathogenic variant. This variant is not present in population databases (gnomAD no frequency). This sequence change affects an acceptor splice site in intron 31 of the ATM gene. It is expected to disrupt RNA splicing. Variants that disrupt the donor or acceptor splice site typically lead to a loss of protein function (PMID: 16199547), and loss-of-function variants in ATM are known to be pathogenic (PMID: 23807571, 25614872).

Literature cited by the submitters: PubMed 15880721 (cited by Myriad Genetics, Inc. and Labcorp Genetics (formerly Invitae), Labcorp); PubMed 23726790 (cited by Myriad Genetics, Inc. and Labcorp Genetics (formerly Invitae), Labcorp); PubMed 16199547 (cited by Labcorp Genetics (formerly Invitae), Labcorp); PubMed 23807571 (cited by Labcorp Genetics (formerly Invitae), Labcorp); PubMed 25614872 (cited by Labcorp Genetics (formerly Invitae), Labcorp).

NM_000051.4(ATM):c.4777-2A>G

Gene: ATM (ATM serine/threonine kinase; plus strand). Cytogenetic location: 11q22.3.
Variant type: single nucleotide variant.
Coding change: c.4777-2A>G on transcript NM_000051.4 (MANE Select); the canonical splice acceptor site of the intron before coding-DNA position 4777, A replaced by G.
Molecular consequence: splice acceptor variant.
Genome position (GRCh38, 1-based): chr11:108,294,925, A>G. VCF-style: chr11-108294925-A-G. GRCh37 (hg19) VCF-style: chr11-108165652-A-G.
Other names: c.4777-2A>G (NM_001351834.2).
Identifiers: ClinVar variation 2742827 (VCV002742827.4), dbSNP rs2135833480, ClinGen allele CA382536077.